The following is an entry in ClinVar:

NM_001395656.1(ROBO2):c.4239T>G (p.Tyr1413Ter)

Gene: ROBO2 (roundabout guidance receptor 2; plus strand). Cytogenetic location: 3p12.3.
Variant type: single nucleotide variant.
Coding change: c.4239T>G on transcript NM_001395656.1 (MANE Select); coding-DNA position 4239, T replaced by G.
Protein change: p.Tyr1413Ter; replaces tyrosine 1413 with a stop codon.
Molecular consequence: nonsense.
Genome position (GRCh38, 1-based): chr3:77,644,723, T>G. VCF-style: chr3-77644723-T-G. GRCh37 (hg19) VCF-style: chr3-77693874-T-G.
Other names: c.4002T>G, p.Tyr1334Ter (NM_001128929.3); c.3966T>G, p.Tyr1322Ter (NM_001290039.2); c.4149T>G, p.Tyr1383Ter (NM_001290040.2, NM_001395657.1); c.2175T>G, p.Tyr725Ter (NM_001290065.2); c.4287T>G, p.Tyr1429Ter (NM_001378190.1); c.4413T>G, p.Tyr1471Ter (NM_001378191.1); c.4308T>G, p.Tyr1436Ter (NM_001378192.1); c.4227T>G, p.Tyr1409Ter (NM_001378193.1); and 11 more; short protein forms Y1383*, Y1429*, Y1436*, Y1334*, Y1409*, Y1413*, Y1471*, Y725*.
Identifiers: ClinVar variation 4988348 (VCV004988348.1).

ClinVar aggregate classification (germline): Uncertain significance (1 of 4 stars; one submission).

Conditions:
ROBO2-related disorder. Also called: ROBO2-related condition.

Submission:

PreventionGenetics, part of Exact Sciences
Classification: Uncertain significance for ROBO2-related condition. Last evaluated: 2025-01-04. Review status: criteria provided, single submitter. Criteria: ACMG Guidelines, 2015. Collection method: clinical testing. Allele origin: germline.
Comment: The ROBO2 c.4002T>G variant is predicted to result in premature protein termination (p.Tyr1334*). To our knowledge, this variant has not been reported in the literature or in a large population database (gnomAD), indicating this variant is rare. For this gene, the gene/disease association is currently considered provisional. Loss-of-function variants in ROBO2, such as this nonsense variant, are not an established mechanism of disease. At this time, the clinical significance of this variant is uncertain due to the absence of conclusive functional and genetic evidence.